The following is an entry in ClinVar:

NM_001111.5(ADAR):c.629T>A (p.Val210Glu)

Gene: ADAR (adenosine deaminase RNA specific; minus strand). Cytogenetic location: 1q21.3.
Variant type: single nucleotide variant.
Coding change: c.629T>A on transcript NM_001111.5 (MANE Select); coding-DNA position 629, T replaced by A.
Protein change: p.Val210Glu; replaces valine 210 with glutamic acid.
Molecular consequence: missense variant. On other transcripts: 5 prime UTR variant (6).
Genome position (GRCh38, 1-based): chr1:154,602,013, A>T on the plus strand (T>A on the coding strand, the complement: ADAR is on the minus strand). VCF-style: chr1-154602013-A-T. GRCh37 (hg19) VCF-style: chr1-154574489-A-T.
Other names: c.-257T>A (NM_001025107.3, NM_001193495.2, NM_001365046.1 and 3 more transcripts); c.656T>A, p.Val219Glu (NM_001365045.1); c.629T>A, p.Val210Glu (NM_015840.4, NM_015841.4); short protein forms V219E, V210E.
Identifiers: ClinVar variation 2921963 (VCV002921963.3), dbSNP rs2526662176, ClinGen allele CA342600726.

ClinVar aggregate classification (germline): Uncertain significance (1 of 4 stars; one submission).

Conditions:
Symmetrical dyschromatosis of extremities (DSH). Also called: DYSCHROMATOSIS SYMMETRICA HEREDITARIA 1; RETICULATE ACROPIGMENTATION OF DOHI; SYMMETRIC DYSCHROMATOSIS OF THE EXTREMITIES; Dyschromatosis symmetrica hereditaria. Identifiers: Orphanet 41, MedGen C0406775, MONDO:0007483, OMIM 127400.
Aicardi-Goutieres syndrome 6 (AGS6). Identifiers: Orphanet 51, MedGen C3539013, MONDO:0014007, OMIM 615010.

Submission:

Labcorp Genetics (formerly Invitae), Labcorp
Classification: Uncertain significance for Aicardi-Goutieres syndrome 6; Symmetrical dyschromatosis of extremities. Last evaluated: 2024-01-05. Review status: criteria provided, single submitter. Criteria: Invitae Variant Classification Sherloc (09022015). Collection method: clinical testing. Allele origin: germline.
Comment: This sequence change replaces valine, which is neutral and non-polar, with glutamic acid, which is acidic and polar, at codon 210 of the ADAR protein (p.Val210Glu). This variant is not present in population databases (gnomAD no frequency). This variant has not been reported in the literature in individuals affected with ADAR-related conditions. An algorithm developed to predict the effect of missense changes on protein structure and function (PolyPhen-2) suggests that this variant is likely to be tolerated. Algorithms developed to predict the effect of sequence changes on RNA splicing suggest that this variant may create or strengthen a splice site. In summary, the available evidence is currently insufficient to determine the role of this variant in disease. Therefore, it has been classified as a Variant of Uncertain Significance.